The following is an entry in ClinVar:

ClinVar aggregate classification (germline): Uncertain significance. Review status: criteria provided, multiple submitters, no conflicts (2 of 4 stars). 3 submissions from 3 submitters: Uncertain significance (3). Last evaluated 2024-05-09.

Conditions:
Inborn genetic diseases. Identifiers: MedGen C0950123, MeSH D030342.
Joubert syndrome. Also called: JOUBERT-BOLTSHAUSER SYNDROME; Familial aplasia of the vermis. Identifiers: Orphanet 475, MedGen C5979921, MONDO:0018772.
Meckel-Gruber syndrome. Also called: DYSENCEPHALIA SPLANCHNOCYSTICA; GRUBER SYNDROME; Dysencephalia splachnocystica. Identifiers: Orphanet 564, MedGen C0265215, MONDO:0018921.

Allele frequency attached by ClinVar (database versions not stated): gnomAD exomes 0.00001.
gnomAD v4.1: 12 of 1,578,672 alleles (0.00076%); highest among the groups gnomAD compares: Admixed American, 0.0018%; no homozygotes.

Submissions (3):

Ambry Genetics
Classification: Uncertain significance for Inborn genetic diseases. Last evaluated: 2024-05-09. Review status: criteria provided, single submitter. Criteria: Ambry Variant Classification Scheme 2023. Collection method: clinical testing. Allele origin: germline.

Blueprint Genetics
Classification: Uncertain significance. Last evaluated: 2024-03-13. Review status: criteria provided, single submitter. Criteria: ACMG Guidelines, 2015. Collection method: clinical testing. Allele origin: germline.

Labcorp Genetics (formerly Invitae), Labcorp
Classification: Uncertain significance for Joubert syndrome; Meckel-Gruber syndrome. Last evaluated: 2022-07-21. Review status: criteria provided, single submitter. Criteria: Invitae Variant Classification Sherloc (09022015). Collection method: clinical testing. Allele origin: germline.
Comment: This sequence change replaces alanine, which is neutral and non-polar, with threonine, which is neutral and polar, at codon 323 of the CC2D2A protein (p.Ala323Thr). The frequency data for this variant in the population databases is considered unreliable, as metrics indicate poor data quality at this position in the gnomAD database. This variant has not been reported in the literature in individuals affected with CC2D2A-related conditions. Advanced modeling of protein sequence and biophysical properties (such as structural, functional, and spatial information, amino acid conservation, physicochemical variation, residue mobility, and thermodynamic stability) performed at Invitae indicates that this missense variant is not expected to disrupt CC2D2A protein function. In summary, the available evidence is currently insufficient to determine the role of this variant in disease. Therefore, it has been classified as a Variant of Uncertain Significance.

NM_001378615.1(CC2D2A):c.967G>A (p.Ala323Thr)

Genes: CC2D2A (coiled-coil and C2 domain containing 2A; plus strand), FBXL5 (F-box and leucine rich repeat protein 5; minus strand). Cytogenetic location: 4p15.32.
Variant type: single nucleotide variant.
Coding change: c.967G>A on transcript NM_001378615.1 (MANE Select); coding-DNA position 967, G replaced by A.
Protein change: p.Ala323Thr; replaces alanine 323 with threonine.
Molecular consequence: missense variant.
Genome position (GRCh38, 1-based): chr4:15,515,954, G>A. VCF-style: chr4-15515954-G-A. GRCh37 (hg19) VCF-style: chr4-15517577-G-A.
Other names: c.967G>A, p.Ala323Thr (NM_001080522.2); c.820G>A, p.Ala274Thr (NM_001378617.1); short protein forms A274T, A323T.
Identifiers: ClinVar variation 2416288 (VCV002416288.42), dbSNP rs1480722039, ClinGen allele CA356409676.